The following is an entry in ClinVar:

ClinVar aggregate classification (germline): Likely benign. Review status: criteria provided, multiple submitters, no conflicts (2 of 4 stars). 2 submissions from 2 submitters: Likely benign (2). Last evaluated 2025-10-14.

Conditions:
Wilson disease (WND). Also called: Wilson's disease. Identifiers: Orphanet 905, MedGen C0019202, MONDO:0010200, OMIM 277900. Disease mechanism: loss of function.

Allele frequency attached by ClinVar (database versions not stated): gnomAD exomes below 0.00001.
gnomAD v4.1: 3 of 1,614,216 alleles (0.00019%); highest among the groups gnomAD compares: Non-Finnish European, 0.00025%; no homozygotes.

Submissions (2):

Labcorp Genetics (formerly Invitae), Labcorp
Classification: Likely benign for Wilson disease. Last evaluated: 2025-10-14. Review status: criteria provided, single submitter. Criteria: Invitae Variant Classification Sherloc (09022015). Collection method: clinical testing. Allele origin: germline.

All of Us Research Program, National Institutes of Health
Classification: Likely benign for Wilson disease. Last evaluated: 2023-03-09. Review status: criteria provided, single submitter. Criteria: ACMG Guidelines, 2015. Collection method: clinical testing. Allele origin: germline. Inheritance: Autosomal recessive inheritance. Observed: 1 variant allele, 1 heterozygote.
Comment: This study involves interpretation of variants in research participants for the purpose of population health screening. Participant phenotype was not available at the time of variant classification. Additional details can be found in publication PMID: 35346344, PMCID: PMC8962531

NM_000053.4(ATP7B):c.3681C>T (p.Ala1227=)

Gene: ATP7B (ATPase copper transporting beta; minus strand). Cytogenetic location: 13q14.3.
Variant type: single nucleotide variant.
Coding change: c.3681C>T on transcript NM_000053.4 (MANE Select); coding-DNA position 3681, C replaced by T.
Protein change: p.Ala1227=; no amino-acid change (alanine 1227 retained).
Molecular consequence: synonymous variant.
Genome position (GRCh38, 1-based): chr13:51,939,069, G>A on the plus strand (C>T on the coding strand, the complement: ATP7B is on the minus strand). VCF-style: chr13-51939069-G-A. GRCh37 (hg19) VCF-style: chr13-52513205-G-A.
Other names: c.3060C>T, p.Ala1020= (NM_001005918.3); c.3348C>T, p.Ala1116= (NM_001243182.2); c.3447C>T, p.Ala1149= (NM_001330578.2); c.3429C>T, p.Ala1143= (NM_001330579.2).
Identifiers: ClinVar variation 1092885 (VCV001092885.10), dbSNP rs1292714486, ClinGen allele CA483893630.